The following is an entry in ClinVar:

NC_000007.13:g.(?_2578125)_(2579037_?)del

Gene: BRAT1 (BRCA1 associated ATM activator 1; minus strand). Cytogenetic location: 7p22.3.
Variant type: Deletion.
Identifiers: ClinVar variation 2427406 (VCV002427406.4).

ClinVar aggregate classification (germline): Pathogenic (1 of 4 stars; one submission).

Conditions:
Neonatal-onset encephalopathy with rigidity and seizures. Also called: Lethal neonatal spasticity-epileptic encephalopathy syndrome. Identifiers: Orphanet 435845, MedGen C3281029, MONDO:0013784, OMIM 614498.

Submission:

Labcorp Genetics (formerly Invitae), Labcorp
Classification: Pathogenic for Neonatal-onset encephalopathy with rigidity and seizures. Last evaluated: 2022-01-19. Review status: criteria provided, single submitter. Criteria: Invitae Variant Classification Sherloc (09022015). Collection method: clinical testing. Allele origin: germline.
Comment: For these reasons, this variant has been classified as Pathogenic. This variant disrupts a region of the BRAT1 protein in which other variant(s) (p.Trp619*) have been determined to be pathogenic (Invitae). This suggests that this is a clinically significant region of the protein, and that variants that disrupt it are likely to be disease-causing. Variants that disrupt the consensus splice site are a relatively common cause of aberrant splicing (PMID: 17576681, 9536098). This variant has not been reported in the literature in individuals affected with BRAT1-related conditions. This variant results in the deletion of exon 13 and part of exon 14 (c.1598-52_2044del) of the BRAT1 gene. While this variant is not anticipated to result in nonsense mediated decay, it likely alters RNA splicing and results in a disrupted protein product.

Literature cited by the submitters: PubMed 17576681; PubMed 9536098.